The following is an entry in ClinVar:

NM_000095.3(COMP):c.815_826del (p.Leu272_Phe275del)

Gene: COMP (cartilage oligomeric matrix protein; minus strand). Cytogenetic location: 19p13.11.
Variant type: Deletion.
Coding change: c.815_826del on transcript NM_000095.3 (MANE Select); coding-DNA positions 815 to 826, 12 bases deleted (TAGACGGCTTCC).
Protein change: p.Leu272_Phe275del.
Molecular consequence: inframe deletion.
Genome position (GRCh38, 1-based): chr19:18,788,451-18,788,462, GGAAGCCGTCTA deleted on the plus strand (TAGACGGCTTCC on the coding strand, the reverse complement: COMP is on the minus strand); deleting any 12 consecutive bases within chr19:18,788,451-18,788,464 gives the same sequence; the c. name uses the placement nearest the transcript's 3' end. VCF-style (leftmost placement, unchanged base first): chr19-18788450-GGGAAGCCGTCTA-G. GRCh37 (hg19) VCF-style: chr19-18899259-GGGAAGCCGTCTA-G.
Identifiers: ClinVar variation 4845310 (VCV004845310.1).
Genomic context (GRCh38, chr19:18,788,450, plus strand): 5'-CCCGCTCCGCCCCCACCCACCTTACGGCACTGGCGCTCCGGGCAGCGCAGCTTCTCGTCC[GGGAAGCCGTCTA>G]GGTCAGTGTCGCGACCACAGAGGATCCCGTTGCCGGCCCAGCCAACGGCACACTGTGGGA-3'

ClinVar aggregate classification (germline): VUS-mid (1 of 4 stars; one submission).

Conditions:
Multiple epiphyseal dysplasia type 1. Also called: COMP-Related Multiple Epiphyseal Dysplasia. Identifiers: Orphanet 93308, MedGen C1838280, MONDO:0007561, OMIM 132400.

Submission:

Centro de Investigaciones en Bioquimica Clinica e Inmunologia, Consejo Nacional de Investigaciones Científicas y Técnicas
Classification: VUS-mid for Multiple epiphyseal dysplasia type 1. Last evaluated: 2026-03-09. Review status: criteria provided, single submitter. Criteria: ACMG Guidelines, 2015. Collection method: research. Allele origin: germline. Inheritance: Autosomal dominant inheritance. Affected: yes. Observed: 1 variant allele.
Comment: The variant results in an in-frame deletion leading to the loss of four amino acids in the COMP protein (PM4). The variant is absent from the gnomAD population database. Currently, there is insufficient evidence to determine the clinical significance of this variant. Therefore, based on the available evidence, this variant is classified as a Variant of Uncertain Significance (VUS).